The following is an entry in ClinVar:

NM_000216.4(ANOS1):c.1766G>A (p.Trp589Ter)

Gene: ANOS1 (anosmin 1; minus strand). Cytogenetic location: Xp22.31.
Variant type: single nucleotide variant.
Coding change: c.1766G>A on transcript NM_000216.4 (MANE Select); coding-DNA position 1766, G replaced by A.
Protein change: p.Trp589Ter; replaces tryptophan 589 with a stop codon.
Molecular consequence: nonsense.
Genome position (GRCh38, 1-based): chrX:8,535,667, C>T on the plus strand (G>A on the coding strand, the complement: ANOS1 is on the minus strand). VCF-style: chrX-8535667-C-T. GRCh37 (hg19) VCF-style: chrX-8503708-C-T.
Other names: short protein forms W589*.
Identifiers: ClinVar variation 1351117 (VCV001351117.8), dbSNP rs2146786648, ClinGen allele CA411986952.
Genomic context (GRCh38, chrX:8,535,667, plus strand): 5'-GACTGTGAAATAATGCTGTTGGGTAGGCTGTTCTGTCTGCTTTCCGTAGTGACCTCAGCC[C>T]AAGTCACTTGAAACCCAGTCATGGGCTGATAGAGATTGGCCTTGGCCATCTTCCAAGAAA-3'

ClinVar aggregate classification (germline): Pathogenic (1 of 4 stars; one submission).

Conditions:
Hypogonadotropic hypogonadism 1 with or without anosmia (HH1). Also called: KAL1-Related GnRH Deficiency (Kallmann Syndrome 1; Kallmann Syndrome, X-Linked); Kallmann syndrome, type 1, X-linked; DYSPLASIA OLFACTOGENITALIS OF DE MORSIER; HYPOGONADOTROPIC HYPOGONADISM 1 WITH ANOSMIA; Hypogonadotropic hypogonadism 1 with or without anosmia (Kallmann syndrome 1); HYPOGONADOTROPIC HYPOGONADISM AND ANOSMIA. Identifiers: Orphanet 478, MedGen C1563719, MONDO:0010635, OMIM 308700. Disease mechanism: loss of function.

Submission:

Labcorp Genetics (formerly Invitae), Labcorp
Classification: Pathogenic for Hypogonadotropic hypogonadism 1 with or without anosmia. Last evaluated: 2021-03-27. Review status: criteria provided, single submitter. Criteria: Invitae Variant Classification Sherloc (09022015). Collection method: clinical testing. Allele origin: germline.
Comment: This sequence change creates a premature translational stop signal (p.Trp589*) in the ANOS1 gene. It is expected to result in an absent or disrupted protein product. Loss-of-function variants in ANOS1 are known to be pathogenic (PMID: 8504298, 11297579). This variant is not present in population databases (ExAC no frequency). This variant has been observed in individual(s) with clinical features of ANOS1-related conditions (PMID: 30098700). For these reasons, this variant has been classified as Pathogenic.

Literature cited by the submitters: PubMed 8504298; PubMed 11297579; PubMed 30098700.